The following is an entry in ClinVar:

NM_001723.7(DST):c.5449_5452dup (p.Gln1818fs)

Gene: DST (dystonin; minus strand). Cytogenetic location: 6p12.1.
Variant type: Duplication.
Coding change: c.5449_5452dup on transcript NM_001723.7 (MANE Plus Clinical); coding-DNA positions 5449 to 5452, 4 bases duplicated (GGGC; older notation c.5449_5452dupGGGC).
Protein change: p.Gln1818fs; shifts the reading frame from glutamine 1818.
Molecular consequence: frameshift variant. On other transcripts: intron variant (10).
Genome position (GRCh38, 1-based): chr6:56,618,582-56,618,585, GCCC duplicated on the plus strand (GGGC on the coding strand, the reverse complement: DST is on the minus strand). VCF-style (leftmost placement, unchanged base first): chr6-56618581-T-TGCCC. GRCh37 (hg19) VCF-style: chr6-56483379-T-TGCCC.
Other names: c.4831-4101_4831-4098dup (NM_001144769.5); c.4930-4101_4930-4098dup (NM_001374722.1, NM_001374736.1); c.4957-4101_4957-4098dup (NM_001374734.1); c.4417-4101_4417-4098dup (NM_001144770.2); c.4297-4101_4297-4098dup (NM_001374730.1, NM_001386100.1, NM_183380.4 and 1 more transcripts); c.3319-4101_3319-4098dup (NM_015548.5); short protein forms Q1818fs.
Identifiers: ClinVar variation 2922050 (VCV002922050.3), dbSNP rs2536682049, ClinGen allele CA2740091379.

ClinVar aggregate classification (germline): Pathogenic (1 of 4 stars; one submission).

Conditions:
Hereditary sensory and autonomic neuropathy type 6. Also called: Neuropathy, hereditary sensory and autonomic, type VI; HSAN VI. Identifiers: Orphanet 314381, MedGen C3539003, MONDO:0013839, OMIM 614653.
Epidermolysis bullosa simplex 3, localized or generalized intermediate, with BP230 deficiency (EBS3). Also called: Epidermolysis bullosa simplex, autosomal recessive 2; Epidermolysis bullosa simplex due to BP230 deficiency. Identifiers: Orphanet 412181, MedGen C3809470, MONDO:0014180, OMIM 615425.

Submission:

Labcorp Genetics (formerly Invitae), Labcorp
Classification: Pathogenic for Epidermolysis bullosa simplex 3, localized or generalized intermediate, with BP230 deficiency; Hereditary sensory and autonomic neuropathy type 6. Last evaluated: 2024-01-08. Review status: criteria provided, single submitter. Criteria: Invitae Variant Classification Sherloc (09022015). Collection method: clinical testing. Allele origin: germline.
Comment: This sequence change creates a premature translational stop signal (p.Gln1818Argfs*16) in the DST gene. It is expected to result in an absent or disrupted protein product. Loss-of-function variants in DST are known to be pathogenic (PMID: 22522446, 25059916, 30371979). This variant is not present in population databases (gnomAD no frequency). This variant has not been reported in the literature in individuals affected with DST-related conditions. For these reasons, this variant has been classified as Pathogenic.

Literature cited by the submitters: PubMed 22522446; PubMed 25059916; PubMed 30371979.